The following is an entry in ClinVar:

ClinVar aggregate classification (germline): Likely benign (1 of 4 stars; one submission).

Allele frequency attached by ClinVar (database versions not stated): gnomAD 0.00003 and 0.00004; TOPMed 0.00003.

Submission:

GeneDx
Classification: Likely benign. Last evaluated: 2017-01-31. Review status: criteria provided, single submitter. Criteria: GeneDx Variant Classification (06012015). Collection method: clinical testing. Allele origin: germline. Affected: yes.
Comment: This variant is considered likely benign or benign based on one or more of the following criteria: it is a conservative change, it occurs at a poorly conserved position in the protein, it is predicted to be benign by multiple in silico algorithms, and/or has population frequency not consistent with disease.

NM_000257.4(MYH7):c.-65+17G>A

Gene: MYH7 (myosin heavy chain 7; minus strand). Cytogenetic location: 14q11.2.
Variant type: single nucleotide variant.
Coding change: c.-65+17G>A on transcript NM_000257.4 (MANE Select); 17 bases into the intron after 65 bases upstream of the start codon, G replaced by A.
Molecular consequence: intron variant.
Genome position (GRCh38, 1-based): chr14:23,435,603, C>T on the plus strand (G>A on the coding strand, the complement: MYH7 is on the minus strand). VCF-style: chr14-23435603-C-T. GRCh37 (hg19) VCF-style: chr14-23904812-C-T.
Other names: c.-65+17G>A (LRG_384t1).
Identifiers: ClinVar variation 507108 (VCV000507108.1), dbSNP rs755110593, ClinGen allele CA257827713.
Genomic context (GRCh38, chr14:23,435,603, plus strand): 5'-TGCTATTCCAAGAGGAATCCCTTCCTAAGCCTGGAGCCCCCTTATCCCAGAGTAAAGCCT[C>T]CAGCTCCCGCTCCTACCTGAGAGCAGCAGGGAAAGACACAGAGCAGGACAGAGCTGTGGA-3'